The following is an entry in ClinVar:

NM_002519.3(NPAT):c.517G>T (p.Val173Leu)

Gene: NPAT (nuclear protein, coactivator of histone transcription; minus strand). Cytogenetic location: 11q22.3.
Variant type: single nucleotide variant.
Coding change: c.517G>T on transcript NM_002519.3 (MANE Select); coding-DNA position 517, G replaced by T.
Protein change: p.Val173Leu; replaces valine 173 with leucine.
Molecular consequence: missense variant.
Genome position (GRCh38, 1-based): chr11:108,189,145, C>A on the plus strand (G>T on the coding strand, the complement: NPAT is on the minus strand). VCF-style: chr11-108189145-C-A. GRCh37 (hg19) VCF-style: chr11-108059872-C-A.
Other names: c.517G>T, p.Val173Leu (NM_001321307.1); short protein forms V173L.
Identifiers: ClinVar variation 3407189 (VCV003407189.1).

ClinVar aggregate classification (germline): Uncertain significance (1 of 4 stars; one submission).

gnomAD v4.1: 1 of 1,614,140 alleles (0.000062%); highest among the groups gnomAD compares: Non-Finnish European, 0.000085%; no homozygotes.

Submission:

Ambry Genetics
Classification: Uncertain significance. Last evaluated: 2024-08-13. Review status: criteria provided, single submitter. Criteria: Ambry Variant Classification Scheme 2023. Collection method: clinical testing. Allele origin: germline.
Comment: The p.V173L variant (also known as c.517G>T), located in coding exon 6 of the NPAT gene, results from a G to T substitution at nucleotide position 517. The valine at codon 173 is replaced by leucine, an amino acid with highly similar properties. This amino acid position is conserved. In addition, this alteration is predicted to be tolerated by in silico analysis. Based on the available evidence, the clinical significance of this variant remains unclear.